The following is an entry in ClinVar:

ClinVar aggregate classification (germline): Uncertain significance (1 of 4 stars; one submission).

Conditions:
Familial cancer of breast. Also called: hereditary breast carcinoma; BREAST CANCER, FAMILIAL; Hereditary breast cancer. Identifiers: Orphanet 227535, MedGen C0346153, MONDO:0016419, OMIM 114480. Disease mechanism: loss of function.

Allele frequency attached by ClinVar (database versions not stated): gnomAD exomes below 0.00001.
gnomAD v4.1: 2 of 1,612,308 alleles (0.00012%); highest among the groups gnomAD compares: African/African-American, 0.0027%; no homozygotes.

Submission:

Labcorp Genetics (formerly Invitae), Labcorp
Classification: Uncertain significance for Familial cancer of breast. Last evaluated: 2023-05-09. Review status: criteria provided, single submitter. Criteria: Invitae Variant Classification Sherloc (09022015). Collection method: clinical testing. Allele origin: germline.
Comment: This variant has not been reported in the literature in individuals affected with BARD1-related conditions. In summary, the available evidence is currently insufficient to determine the role of this variant in disease. Therefore, it has been classified as a Variant of Uncertain Significance. An algorithm developed to predict the effect of missense changes on protein structure and function (PolyPhen-2) suggests that this variant is likely to be disruptive. This variant is not present in population databases (gnomAD no frequency). This sequence change replaces lysine, which is basic and polar, with methionine, which is neutral and non-polar, at codon 46 of the BARD1 protein (p.Lys46Met).

NM_000465.4(BARD1):c.137A>T (p.Lys46Met)

Gene: BARD1 (BRCA1 associated RING domain 1; minus strand). Cytogenetic location: 2q35.
Variant type: single nucleotide variant.
Coding change: c.137A>T on transcript NM_000465.4 (MANE Select); coding-DNA position 137, A replaced by T.
Protein change: p.Lys46Met; replaces lysine 46 with methionine.
Molecular consequence: missense variant. On other transcripts: non-coding transcript variant (3).
Genome position (GRCh38, 1-based): chr2:214,809,433, T>A on the plus strand (A>T on the coding strand, the complement: BARD1 is on the minus strand). VCF-style: chr2-214809433-T-A. GRCh37 (hg19) VCF-style: chr2-215674157-T-A.
Other names: c.137A>T, p.Lys46Met (NM_001282543.2, NM_001282545.2, NM_001282548.2 and 1 more transcripts); short protein forms K46M.
Identifiers: ClinVar variation 2885666 (VCV002885666.3), dbSNP rs2469637650, ClinGen allele CA350464847.